The following is an entry in ClinVar:

NM_000143.4(FH):c.167C>T (p.Thr56Ile)

Gene: FH (fumarate hydratase; minus strand). Cytogenetic location: 1q43.
Variant type: single nucleotide variant.
Coding change: c.167C>T on transcript NM_000143.4 (MANE Select); coding-DNA position 167, C replaced by T.
Protein change: p.Thr56Ile; replaces threonine 56 with isoleucine.
Molecular consequence: missense variant.
Genome position (GRCh38, 1-based): chr1:241,517,282, G>A on the plus strand (C>T on the coding strand, the complement: FH is on the minus strand). VCF-style: chr1-241517282-G-A. GRCh37 (hg19) VCF-style: chr1-241680582-G-A.
Other names: short protein forms T56I.
Identifiers: ClinVar variation 819806 (VCV000819806.7), dbSNP rs1433872618, ClinGen allele CA345441961.

ClinVar aggregate classification (germline): Uncertain significance. Review status: criteria provided, multiple submitters, no conflicts (2 of 4 stars). 2 submissions from 2 submitters: Uncertain significance (2). Last evaluated 2022-03-04.

Conditions:
Hereditary cancer-predisposing syndrome. Also called: Neoplastic Syndromes, Hereditary; Tumor predisposition; Hereditary Cancer Syndrome; Hereditary neoplastic syndrome. Identifiers: Orphanet 140162, MedGen C0027672, MeSH D009386, MONDO:0015356.

Submissions (2):

Labcorp Genetics (formerly Invitae), Labcorp
Classification: Uncertain significance. Last evaluated: 2022-03-04. Review status: criteria provided, single submitter. Criteria: Invitae Variant Classification Sherloc (09022015). Collection method: clinical testing. Allele origin: germline.
Comment: This sequence change replaces threonine, which is neutral and polar, with isoleucine, which is neutral and non-polar, at codon 56 of the FH protein (p.Thr56Ile). This variant is not present in population databases (gnomAD no frequency). This variant has not been reported in the literature in individuals affected with FH-related conditions. ClinVar contains an entry for this variant (Variation ID: 819806). Advanced modeling of protein sequence and biophysical properties (such as structural, functional, and spatial information, amino acid conservation, physicochemical variation, residue mobility, and thermodynamic stability) performed at Invitae indicates that this missense variant is expected to disrupt FH protein function. In summary, the available evidence is currently insufficient to determine the role of this variant in disease. Therefore, it has been classified as a Variant of Uncertain Significance.

Ambry Genetics
Classification: Uncertain significance for Hereditary cancer-predisposing syndrome. Last evaluated: 2018-10-31. Review status: criteria provided, single submitter. Criteria: Ambry Variant Classification Scheme 2023. Collection method: clinical testing. Allele origin: germline.
Comment: The p.T56I variant (also known as c.167C>T), located in coding exon 2 of the FH gene, results from a C to T substitution at nucleotide position 167. The threonine at codon 56 is replaced by isoleucine, an amino acid with similar properties. This amino acid position is highly conserved in available vertebrate species. In addition, this alteration is predicted to be deleterious by in silico analysis. Since supporting evidence is limited at this time, the clinical significance of this alteration remains unclear.